The following is an entry in ClinVar:

NM_017852.5(NLRP2):c.765G>A (p.Pro255=)

Gene: NLRP2 (NLR family pyrin domain containing 2; plus strand). Cytogenetic location: 19q13.42.
Variant type: single nucleotide variant.
Coding change: c.765G>A on transcript NM_017852.5 (MANE Select); coding-DNA position 765, G replaced by A.
Protein change: p.Pro255=; no amino-acid change (proline 255 retained).
Molecular consequence: synonymous variant. On other transcripts: non-coding transcript variant (1).
Genome position (GRCh38, 1-based): chr19:54,982,463, G>A. VCF-style: chr19-54982463-G-A. GRCh37 (hg19) VCF-style: chr19-55493831-G-A.
Other names: c.765G>A, p.Pro255= (NM_001174081.3); c.699G>A, p.Pro233= (NM_001174082.3); c.696G>A, p.Pro232= (NM_001174083.2); c.756G>A, p.Pro252= (NM_001348003.2).
Identifiers: ClinVar variation 3038888 (VCV003038888.2), dbSNP rs151132029, ClinGen allele CA310103028.

ClinVar aggregate classification (germline): Likely benign (0 of 4 stars; one submission).

Conditions:
NLRP2-related disorder. Also called: NLRP2-related condition.

Allele frequency attached by ClinVar (database versions not stated): ExAC 0.00022; ESP Exome Variant Server 0.00038.

Submission:

PreventionGenetics, part of Exact Sciences
Classification: Likely benign for NLRP2-related condition. Last evaluated: 2020-11-16. Review status: no assertion criteria provided. Collection method: clinical testing. Allele origin: germline.
Comment: This variant is classified as likely benign based on ACMG/AMP sequence variant interpretation guidelines (Richards et al. 2015 PMID: 25741868, with internal and published modifications).